The following is an entry in ClinVar:

ClinVar aggregate classification (germline): Uncertain significance. Review status: criteria provided, multiple submitters, no conflicts (2 of 4 stars). 2 submissions from 2 submitters: Uncertain significance (2). Last evaluated 2026-08-17.

Allele frequency attached by ClinVar (database versions not stated): TOPMed 0.00001.

Submissions (2):

GeneDx
Classification: Uncertain significance. Last evaluated: 2026-08-17. Review status: criteria provided, single submitter. Criteria: GeneDx Variant Classification Process June 2021. Collection method: clinical testing. Allele origin: germline.
Comment: Not observed at significant frequency in large population cohorts (gnomAD); In silico analysis suggests that this missense variant does not alter protein structure/function; Has not been previously published as pathogenic or benign to our knowledge

Women's Health and Genetics/Laboratory Corporation of America, LabCorp
Classification: Uncertain significance. Last evaluated: 2024-07-12. Review status: criteria provided, single submitter. Criteria: LabCorp Variant Classification Summary - May 2015. Collection method: clinical testing. Allele origin: germline.
Comment: Variant summary: USP7 c.8A>G (p.His3Arg) results in a non-conservative amino acid change in the encoded protein sequence. Three of five in-silico tools predict a benign effect of the variant on protein function. The variant was absent in 76914 control chromosomes. The available data on variant occurrences in the general population are insufficient to allow any conclusion about variant significance. To our knowledge, no occurrence of c.8A>G in individuals affected with Hao-Fountain Syndrome and no experimental evidence demonstrating its impact on protein function have been reported. ClinVar contains an entry for this variant (Variation ID: 2581988). Based on the evidence outlined above, the variant was classified as uncertain significance.

NM_003470.3(USP7):c.8A>G (p.His3Arg)

Genes: USP7 (ubiquitin specific peptidase 7; minus strand), USP7-AS1 (USP7 antisense RNA 1; plus strand). Cytogenetic location: 16p13.2.
Variant type: single nucleotide variant.
Coding change: c.8A>G on transcript NM_003470.3 (MANE Select); coding-DNA position 8, A replaced by G.
Protein change: p.His3Arg; replaces histidine 3 with arginine.
Molecular consequence: missense variant.
Genome position (GRCh38, 1-based): chr16:8,963,278, T>C on the plus strand (A>G on the coding strand, the complement: USP7 is on the minus strand). VCF-style: chr16-8963278-T-C. GRCh37 (hg19) VCF-style: chr16-9057135-T-C.
Other names: c.8A>G (NM_003470.2); short protein forms H3R.
Identifiers: ClinVar variation 2581988 (VCV002581988.3), dbSNP rs1272991796, ClinGen allele CA394693385.